The following is an entry in ClinVar:

ClinVar aggregate classification (germline): Conflicting classifications of pathogenicity. Review status: criteria provided, conflicting classifications (1 of 4 stars). 3 submissions from 3 submitters: Uncertain significance (1); Likely benign (1). 1 of the submissions does not count toward it. Last evaluated 2025-12-12.

Conditions:
VCAN-related disorder. Also called: VCAN-related condition.

Allele frequency attached by ClinVar (database versions not stated): ExAC 0.00001; gnomAD exomes 0.00001; gnomAD 0.00002; TOPMed 0.00003.
gnomAD v4.1: 27 of 1,612,624 alleles (0.0017%); highest among the groups gnomAD compares: East Asian, 0.0045%; no homozygotes.

Submissions (3):

Labcorp Genetics (formerly Invitae), Labcorp
Classification: Uncertain significance. Last evaluated: 2025-12-12. Review status: criteria provided, single submitter. Criteria: Invitae Variant Classification Sherloc (09022015). Collection method: clinical testing. Allele origin: germline.
Comment: This sequence change replaces arginine, which is basic and polar, with glycine, which is neutral and non-polar, at codon 684 of the VCAN protein (p.Arg684Gly). This variant is present in population databases (rs759138661, gnomAD 0.0009%). This variant has not been reported in the literature in individuals affected with VCAN-related conditions. ClinVar contains an entry for this variant (Variation ID: 852497). An algorithm developed to predict the effect of missense changes on protein structure and function outputs the following: PolyPhen-2: "Benign". The glycine amino acid residue is found in multiple mammalian species, which suggests that this missense change does not adversely affect protein function. In summary, the available evidence is currently insufficient to determine the role of this variant in disease. Therefore, it has been classified as a Variant of Uncertain Significance.

Blueprint Genetics
Classification: Likely benign. Last evaluated: 2024-03-11. Review status: criteria provided, single submitter. Criteria: ACMG Guidelines, 2015. Collection method: clinical testing. Allele origin: germline.

PreventionGenetics, part of Exact Sciences
Classification: Uncertain significance for VCAN-related condition. Last evaluated: 2024-05-08. Review status: no assertion criteria provided. Collection method: clinical testing. Allele origin: germline. Not counted in ClinVar's aggregate classification.
Comment: The VCAN c.2050A>G variant is predicted to result in the amino acid substitution p.Arg684Gly. To our knowledge, this variant has not been reported in the literature. This variant is reported in 0.0018% of alleles in individuals of European (non-Finnish) descent in gnomAD. At this time, the clinical significance of this variant is uncertain due to the absence of conclusive functional and genetic evidence.

NM_004385.5(VCAN):c.2050A>G (p.Arg684Gly)

Gene: VCAN (versican; plus strand). Cytogenetic location: 5q14.3.
Variant type: single nucleotide variant.
Coding change: c.2050A>G on transcript NM_004385.5 (MANE Select); coding-DNA position 2050, A replaced by G.
Protein change: p.Arg684Gly; replaces arginine 684 with glycine.
Molecular consequence: missense variant. On other transcripts: intron variant (2).
Genome position (GRCh38, 1-based): chr5:83,520,356, A>G. VCF-style: chr5-83520356-A-G. GRCh37 (hg19) VCF-style: chr5-82816175-A-G.
Other names: c.2050A>G, p.Arg684Gly (NM_001164098.2); c.1042+7960A>G (NM_001164097.2, NM_001126336.3); short protein forms R684G.
Identifiers: ClinVar variation 852497 (VCV000852497.11), dbSNP rs759138661, ClinGen allele CA3332774.